The following is an entry in ClinVar:

NM_002184.4(IL6ST):c.2465A>G (p.His822Arg)

Gene: IL6ST (interleukin 6 cytokine family signal transducer; minus strand). Cytogenetic location: 5q11.2.
Variant type: single nucleotide variant.
Coding change: c.2465A>G on transcript NM_002184.4 (MANE Select); coding-DNA position 2465, A replaced by G.
Protein change: p.His822Arg; replaces histidine 822 with arginine.
Molecular consequence: missense variant. On other transcripts: 3 prime UTR variant (1), non-coding transcript variant (2).
Genome position (GRCh38, 1-based): chr5:55,941,374, T>C on the plus strand (A>G on the coding strand, the complement: IL6ST is on the minus strand). VCF-style: chr5-55941374-T-C. GRCh37 (hg19) VCF-style: chr5-55237202-T-C.
Other names: c.2282A>G, p.His761Arg (NM_001190981.2); c.2363A>G, p.His788Arg (NM_001364275.2); c.2255A>G, p.His752Arg (NM_001364276.2); c.1598A>G, p.His533Arg (NM_001364277.2); c.1562A>G, p.His521Arg (NM_001364278.2); c.1469A>G, p.His490Arg (NM_001364279.2); c.*1392A>G (NM_175767.3); short protein forms H490R, H533R, H788R, H822R, H521R, H752R, H761R.
Identifiers: ClinVar variation 1376502 (VCV001376502.9), dbSNP rs770658344, ClinGen allele CA3271148.

ClinVar aggregate classification (germline): Uncertain significance. Review status: criteria provided, multiple submitters, no conflicts (2 of 4 stars). 2 submissions from 2 submitters: Uncertain significance (2). Last evaluated 2025-02-03.

Allele frequency attached by ClinVar (database versions not stated): gnomAD 0.00001; TOPMed 0.00003; gnomAD exomes 0.00019; ExAC 0.00025.
gnomAD v4.1: 102 of 1,614,012 alleles (0.0063%); highest among the groups gnomAD compares: South Asian, 0.097%; 1 homozygote.

Submissions (2):

Labcorp Genetics (formerly Invitae), Labcorp
Classification: Uncertain significance. Last evaluated: 2025-02-03. Review status: criteria provided, single submitter. Criteria: Invitae Variant Classification Sherloc (09022015). Collection method: clinical testing. Allele origin: germline.
Comment: This sequence change replaces histidine, which is basic and polar, with arginine, which is basic and polar, at codon 822 of the IL6ST protein (p.His822Arg). This variant is present in population databases (rs770658344, gnomAD 0.1%). This variant has not been reported in the literature in individuals affected with IL6ST-related conditions. ClinVar contains an entry for this variant (Variation ID: 1376502). An algorithm developed to predict the effect of missense changes on protein structure and function outputs the following: PolyPhen-2: "Benign". The arginine amino acid residue is found in multiple mammalian species, which suggests that this missense change does not adversely affect protein function. In summary, the available evidence is currently insufficient to determine the role of this variant in disease. Therefore, it has been classified as a Variant of Uncertain Significance.

Breakthrough Genomics
Classification: Uncertain significance. Review status: criteria provided, single submitter. Criteria: ACMG Guidelines, 2015. Collection method: not provided. Allele origin: germline. Inheritance: Autosomal recessive inheritance. Affected: yes.